The following is an entry in ClinVar:

NM_001005242.3(PKP2):c.1379-2072C>G

Gene: PKP2 (plakophilin 2; minus strand). Cytogenetic location: 12p11.21.
Variant type: single nucleotide variant.
Coding change: c.1379-2072C>G on transcript NM_001005242.3 (MANE Select); 2072 bases into the intron before coding-DNA position 1379, C replaced by G.
Molecular consequence: intron variant. On other transcripts: missense variant (1).
Genome position (GRCh38, 1-based): chr12:32,843,277, G>C on the plus strand (C>G on the coding strand, the complement: PKP2 is on the minus strand). VCF-style: chr12-32843277-G-C. GRCh37 (hg19) VCF-style: chr12-32996211-G-C.
Other names: c.1415C>G, p.Pro472Arg (NM_004572.4); short protein forms P472R.
Identifiers: ClinVar variation 922834 (VCV000922834.3), dbSNP rs758950276, ClinGen allele CA384368730.

ClinVar aggregate classification (germline): Uncertain significance (1 of 4 stars; one submission).

Conditions:
Cardiomyopathy (CMYO). Also called: Cardiomyopathies. Identifiers: Orphanet 167848, MedGen C0878544, MONDO:0004994, HP:0001638. Inheritance: Various modes of inheritance.

Submission:

Color Diagnostics, LLC DBA Color Health
Classification: Uncertain significance for Cardiomyopathy. Last evaluated: 2019-06-08. Review status: criteria provided, single submitter. Criteria: ACMG Guidelines, 2015. Collection method: clinical testing. Allele origin: germline.
Comment: This missense variant replaces proline with arginine at codon 472 of the PKP2 protein. Computational prediction tools and conservation analyses suggest that this variant may not impact the protein function. Computational splicing tools suggest that this variant may not impact RNA splicing. To our knowledge, functional assays have not been performed for this variant nor has this variant been reported in individuals affected with cardiovascular disorders in the literature. This variant has not been identified in the general population by the Genome Aggregation Database (gnomAD). Available evidence is insufficient to determine the role of this variant in disease conclusively. Therefore, this variant is classified as a Variant of Uncertain Significance.